The following is an entry in ClinVar:

NM_001128840.3(CACNA1D):c.4870G>A (p.Glu1624Lys)

Gene: CACNA1D (calcium voltage-gated channel subunit alpha1 D; plus strand). Cytogenetic location: 3p21.1.
Variant type: single nucleotide variant.
Coding change: c.4870G>A on transcript NM_001128840.3 (MANE Select); coding-DNA position 4870, G replaced by A.
Protein change: p.Glu1624Lys; replaces glutamic acid 1624 with lysine.
Molecular consequence: missense variant.
Genome position (GRCh38, 1-based): chr3:53,786,899, G>A. VCF-style: chr3-53786899-G-A. GRCh37 (hg19) VCF-style: chr3-53820926-G-A.
Other names: c.4930G>A, p.Glu1644Lys (NM_000720.4); c.4825G>A, p.Glu1609Lys (NM_001128839.3); short protein forms E1609K, E1624K, E1644K.
Identifiers: ClinVar variation 1021066 (VCV001021066.5), dbSNP rs2095456495, ClinGen allele CA353247300.

ClinVar aggregate classification (germline): Uncertain significance (1 of 4 stars; one submission).

Allele frequency attached by ClinVar (database versions not stated): gnomAD exomes below 0.00001.
gnomAD v4.1: 1 of 1,614,056 alleles (0.000062%); highest among the groups gnomAD compares: South Asian, 0.0011%; no homozygotes.

Submission:

Labcorp Genetics (formerly Invitae), Labcorp
Classification: Uncertain significance. Last evaluated: 2020-03-10. Review status: criteria provided, single submitter. Criteria: Invitae Variant Classification Sherloc (09022015). Collection method: clinical testing. Allele origin: germline.
Comment: This sequence change replaces glutamic acid with lysine at codon 1644 of the CACNA1D protein (p.Glu1644Lys). The glutamic acid residue is highly conserved and there is a small physicochemical difference between glutamic acid and lysine. In summary, the available evidence is currently insufficient to determine the role of this variant in disease. Therefore, it has been classified as a Variant of Uncertain Significance. Algorithms developed to predict the effect of missense changes on protein structure and function (SIFT, PolyPhen-2, Align-GVGD) all suggest that this variant is likely to be disruptive, but these predictions have not been confirmed by published functional studies and their clinical significance is uncertain. This variant has not been reported in the literature in individuals with CACNA1D-related conditions. This variant is not present in population databases (ExAC no frequency).